The following is an entry in ClinVar:

NM_000080.4(CHRNE):c.917G>T (p.Arg306Met)

Genes: CHRNE (cholinergic receptor nicotinic epsilon subunit; minus strand), C17orf107 (chromosome 17 open reading frame 107; plus strand). Cytogenetic location: 17p13.2.
Variant type: single nucleotide variant.
Coding change: c.917G>T on transcript NM_000080.4 (MANE Select); coding-DNA position 917, G replaced by T.
Protein change: p.Arg306Met; replaces arginine 306 with methionine.
Molecular consequence: missense variant. On other transcripts: 3 prime UTR variant (1).
Genome position (GRCh38, 1-based): chr17:4,900,793, C>A on the plus strand (G>T on the coding strand, the complement: CHRNE is on the minus strand). VCF-style: chr17-4900793-C-A. GRCh37 (hg19) VCF-style: chr17-4804088-C-A.
Other names: c.917G>T (NM_000080.3); c.*260C>A (NM_001145536.2); short protein forms R306M.
Identifiers: ClinVar variation 1441274 (VCV001441274.14), dbSNP rs2151096983, ClinGen allele CA397304307.
Genomic context (GRCh38, chr17:4,900,793, plus strand): 5'-GTTTTGGCCACGCCCCCACCCTTCACACTGGCCACACCCCCGCGGGGGCTCCGGCTTCAC[C>A]TGCCCAGGAGCGGCACGCTCAGAGAAGTCTCTGGGATTTTCTGGGCAATGAGGAACAAGA-3'
Protein context (NP_000071.1, residues 296-316): ETSLSVPLLG[Arg306Met]FLIFVMVVAT

ClinVar aggregate classification (germline): Conflicting classifications of pathogenicity. Review status: criteria provided, conflicting classifications (1 of 4 stars). 6 submissions from 6 submitters: Pathogenic (1); Likely pathogenic (1); Uncertain significance (4). Last evaluated 2026-01-15.

Conditions:
Congenital myasthenic syndrome 4B. Also called: Myasthenic syndrome, congenital, 4b, fast-channel. Identifiers: Orphanet 590, MedGen C4225369, MONDO:0014586, OMIM 616324.
Congenital myasthenic syndrome 4C (CMS4C). Also called: Myasthenic syndrome, congenital, associated with acetylcholine receptor deficiency. Identifiers: Orphanet 590, MedGen C1837091, MONDO:0012157, OMIM 608931.
Congenital myasthenic syndrome 4A. Also called: Myasthenic syndrome, congenital, 4a, slow-channel; CONGENITAL MYASTHENIC SYNDROME TYPE Ia1; MYASTHENIC SYNDROME, CONGENITAL, 4A, SLOW-CHANNEL, AUTOSOMAL RECESSIVE. Identifiers: Orphanet 590, MedGen C4225413, MONDO:0011600, OMIM 605809.
Congenital myasthenic syndrome (CMS). Also called: Congenital Myasthenic Syndromes. Identifiers: Orphanet 590, MedGen C0751882, MeSH D020294, MONDO:0018940.

gnomAD v4.1: 2 of 1,613,328 alleles (0.00012%); highest among the groups gnomAD compares: Admixed American, 0.0017%; no homozygotes.

Submissions (6):

Dasa
Classification: Uncertain significance. Last evaluated: 2026-01-15. Review status: criteria provided, single submitter. Criteria: DASA Assertion Criteria. Collection method: clinical testing. Allele origin: germline.
Comment: NM_000080.4(CHRNE):c.917G>T (p.Arg306Met) is a missense variant that results in the substitution of arginine with methionine. The affected residue or protein region has prior evidence supporting clinical relevance. This variant has been recurrently observed in individuals with CHRNE-related disorders (PMID: 39550999; PMID: 38374194). Also, this variant is rare in population databases. Computational prediction algorithms are consistent with a deleterious effect. The currently available literature and clinical evidence are not sufficient to establish a definitive association between this variant and the reported condition. Therefore, this variant is classified as a variant of uncertain significance.

Labcorp Genetics (formerly Invitae), Labcorp
Classification: Uncertain significance for Congenital myasthenic syndrome 4A. Last evaluated: 2025-05-20. Review status: criteria provided, single submitter. Criteria: Invitae Variant Classification Sherloc (09022015). Collection method: clinical testing. Allele origin: germline.
Comment: This sequence change affects codon 306 of the CHRNE mRNA. It is a 'silent' change, meaning that it does not change the encoded amino acid sequence of the CHRNE protein. This variant also falls at the last nucleotide of exon 8, which is part of the consensus splice site for this exon. This variant is not present in population databases (gnomAD no frequency). This variant has been observed in individual(s) with congenital myasthenic syndrome (PMID: 22678886; internal data). This variant is also known as Arg286Met. ClinVar contains an entry for this variant (Variation ID: 1441274). An algorithm developed to predict the effect of missense changes on protein structure and function (PolyPhen-2) suggests that this variant is likely to be disruptive. Variants that disrupt the consensus splice site are a relatively common cause of aberrant splicing (PMID: 17576681, 9536098). Algorithms developed to predict the effect of sequence changes on RNA splicing suggest that this variant may disrupt the consensus splice site. In summary, the available evidence is currently insufficient to determine the role of this variant in disease. Therefore, it has been classified as a Variant of Uncertain Significance.

Natera, Inc.
Classification: Likely pathogenic for Congenital myasthenic syndrome. Last evaluated: 2025-03-03. Review status: criteria provided, single submitter. Criteria: Natera Variant Classification Schema (03/2026). Collection method: clinical testing. Allele origin: germline.
Comment: The c.917G>T variant in CHRNE is a missense variant predicted to cause substitution of arginine to methionine at amino acid 306. This variant is rare in the general population with a frequency below the threshold expected for the associated phenotype(s). This variant has been observed in one or more individuals affected with the associated recessive disease, as either homozygous or compound heterozygous with a second variant (PMID: 20562457, 16061559). Functional studies show that this variant may disrupt protein function (PMID: 16061559). Computational prediction algorithms indicate this variant is likely to affect gene or protein function. Given the available evidence, this variant is classified as Likely Pathogenic.

Baylor Genetics
Classification: Pathogenic for Congenital myasthenic syndrome 4A. Last evaluated: 2024-02-20. Review status: criteria provided, single submitter. Criteria: ACMG Guidelines, 2015. Collection method: clinical testing. Allele origin: unknown.

Fulgent Genetics
Classification: Uncertain significance for Congenital myasthenic syndrome 4A; Congenital myasthenic syndrome 4C; Congenital myasthenic syndrome 4B. Last evaluated: 2021-11-30. Review status: criteria provided, single submitter. Criteria: ACMG Guidelines, 2015. Collection method: clinical testing. Allele origin: unknown.

Revvity Omics, Revvity
Classification: Uncertain significance. Last evaluated: 2020-04-05. Review status: criteria provided, single submitter. Criteria: ACMG Guidelines, 2015. Collection method: clinical testing. Allele origin: germline.

Literature cited by the submitters: PubMed 39550999 (cited by Dasa); PubMed 38374194 (cited by Dasa); PubMed 22678886 (cited by Dasa and Labcorp Genetics (formerly Invitae), Labcorp); PubMed 17576681 (cited by Labcorp Genetics (formerly Invitae), Labcorp); PubMed 9536098 (cited by Labcorp Genetics (formerly Invitae), Labcorp); PubMed 20562457 (cited by Natera, Inc.); PubMed 16061559 (cited by Natera, Inc.).